The following is an entry in ClinVar:

ClinVar aggregate classification (germline): Uncertain significance (1 of 4 stars; one submission).

Conditions:
Seizures, benign familial infantile, 3 (BFIS3). Also called: CONVULSIONS, BENIGN FAMILIAL INFANTILE, 3; Familial neonatal seizures. Identifiers: Orphanet 140927, Orphanet 306, MedGen C1843140, MONDO:0011904, OMIM 607745.
Developmental and epileptic encephalopathy, 11 (DEE11). Also called: Early infantile epileptic encephalopathy 11. Identifiers: Orphanet 1934, MedGen C3150987, MONDO:0013388, OMIM 613721.

Submission:

Labcorp Genetics (formerly Invitae), Labcorp
Classification: Uncertain significance for Seizures, benign familial infantile, 3; Developmental and epileptic encephalopathy, 11. Last evaluated: 2023-01-12. Review status: criteria provided, single submitter. Criteria: Invitae Variant Classification Sherloc (09022015). Collection method: clinical testing. Allele origin: germline.
Comment: This sequence change replaces arginine, which is basic and polar, with glycine, which is neutral and non-polar, at codon 630 of the SCN2A protein (p.Arg630Gly). This variant is not present in population databases (gnomAD no frequency). In summary, the available evidence is currently insufficient to determine the role of this variant in disease. Therefore, it has been classified as a Variant of Uncertain Significance. Advanced modeling of protein sequence and biophysical properties (such as structural, functional, and spatial information, amino acid conservation, physicochemical variation, residue mobility, and thermodynamic stability) performed at Invitae indicates that this missense variant is not expected to disrupt SCN2A protein function. This variant has not been reported in the literature in individuals affected with SCN2A-related conditions.

NM_001040142.2(SCN2A):c.1888C>G (p.Arg630Gly)

Gene: SCN2A (sodium voltage-gated channel alpha subunit 2; plus strand). Cytogenetic location: 2q24.3.
Variant type: single nucleotide variant.
Coding change: c.1888C>G on transcript NM_001040142.2 (MANE Select); coding-DNA position 1888, C replaced by G.
Protein change: p.Arg630Gly; replaces arginine 630 with glycine.
Molecular consequence: missense variant.
Genome position (GRCh38, 1-based): chr2:165,323,372, C>G. VCF-style: chr2-165323372-C-G. GRCh37 (hg19) VCF-style: chr2-166179882-C-G.
Other names: c.1888C>G, p.Arg630Gly (NM_001040143.2, NM_001371246.1, NM_001371247.1 and 1 more transcripts); short protein forms R630G.
Identifiers: ClinVar variation 2935183 (VCV002935183.3), dbSNP rs1369165812, ClinGen allele CA349027298.